The following is an entry in ClinVar:

NM_001846.4(COL4A2):c.5086G>A (p.Gly1696Ser)

Gene: COL4A2 (collagen type IV alpha 2 chain; plus strand). Cytogenetic location: 13q34.
Variant type: single nucleotide variant.
Coding change: c.5086G>A on transcript NM_001846.4 (MANE Select); coding-DNA position 5086, G replaced by A.
Protein change: p.Gly1696Ser; replaces glycine 1696 with serine.
Molecular consequence: missense variant.
Genome position (GRCh38, 1-based): chr13:110,512,138, G>A. VCF-style: chr13-110512138-G-A. GRCh37 (hg19) VCF-style: chr13-111164485-G-A.
Other names: c.5086G>A (NM_001846.3); short protein forms G1696S.
Identifiers: ClinVar variation 1900411 (VCV001900411.8), dbSNP rs202178258, ClinGen allele CA7050773.

ClinVar aggregate classification (germline): Uncertain significance. Review status: criteria provided, multiple submitters, no conflicts (2 of 4 stars). 3 submissions from 3 submitters: Uncertain significance (3). Last evaluated 2025-11-07.

Conditions:
COL4A2-related disorder. Also called: COL4A2-related disorders; COL4A2-related condition.

Allele frequency attached by ClinVar (database versions not stated): gnomAD exomes 0.00001; TOPMed 0.00002; ExAC 0.00003; gnomAD 0.00004; 1000 Genomes Project 30x 0.00016; 1000 Genomes Project 0.00020.

Submissions (3):

PreventionGenetics, part of Exact Sciences
Classification: Uncertain significance for COL4A2-related condition. Last evaluated: 2025-11-07. Review status: criteria provided, single submitter. Criteria: ACMG Guidelines, 2015. Collection method: clinical testing. Allele origin: germline.
Comment: The COL4A2 c.5086G>A variant is predicted to result in the amino acid substitution p.Gly1696Ser. To our knowledge, this variant has not been reported in the literature. This glycine change does not occur within the conserved collagen triple-helical domain (amino acids 184-1484, Uniprot). This variant is reported in 0.011% of alleles in individuals of Latino descent in gnomAD. At this time, the clinical significance of this variant is uncertain due to the absence of conclusive functional and genetic evidence.

Dasa
Classification: Uncertain significance. Last evaluated: 2025-01-17. Review status: criteria provided, single submitter. Criteria: DASA Assertion Criteria. Collection method: clinical testing. Allele origin: germline.
Comment: NM_001846.4(COL4A2):c.5086G>A (p.Gly1696Ser) is a missense variant that results in the substitution of glycine with serine. This variant is rare in population databases. Computational prediction algorithms are consistent with a deleterious effect. The currently available literature and clinical evidence are not sufficient to establish a definitive association between this variant and the reported condition. Therefore, this variant is classified as a variant of uncertain significance.

Labcorp Genetics (formerly Invitae), Labcorp
Classification: Uncertain significance. Last evaluated: 2022-07-03. Review status: criteria provided, single submitter. Criteria: Invitae Variant Classification Sherloc (09022015). Collection method: clinical testing. Allele origin: germline.
Comment: In summary, the available evidence is currently insufficient to determine the role of this variant in disease. Therefore, it has been classified as a Variant of Uncertain Significance. Advanced modeling of protein sequence and biophysical properties (such as structural, functional, and spatial information, amino acid conservation, physicochemical variation, residue mobility, and thermodynamic stability) performed at Invitae indicates that this missense variant is not expected to disrupt COL4A2 protein function. This variant has not been reported in the literature in individuals affected with COL4A2-related conditions. This variant is present in population databases (rs202178258, gnomAD 0.009%). This sequence change replaces glycine, which is neutral and non-polar, with serine, which is neutral and polar, at codon 1696 of the COL4A2 protein (p.Gly1696Ser).